The following is an entry in ClinVar:

NM_022437.3(ABCG8):c.97G>A (p.Asp33Asn)

Gene: ABCG8 (ATP binding cassette subfamily G member 8; plus strand). Cytogenetic location: 2p21.
Variant type: single nucleotide variant.
Coding change: c.97G>A on transcript NM_022437.3 (MANE Select); coding-DNA position 97, G replaced by A.
Protein change: p.Asp33Asn; replaces aspartic acid 33 with asparagine.
Molecular consequence: missense variant.
Genome position (GRCh38, 1-based): chr2:43,844,540, G>A. VCF-style: chr2-43844540-G-A. GRCh37 (hg19) VCF-style: chr2-44071679-G-A.
Other names: c.97G>A, p.Asp33Asn (NM_001357321.2); short protein forms D33N.
Identifiers: ClinVar variation 500866 (VCV000500866.18), dbSNP rs148456883, ClinGen allele CA1636887.

ClinVar aggregate classification (germline): Uncertain significance. Review status: criteria provided, multiple submitters, no conflicts (2 of 4 stars). 9 submissions from 9 submitters: Uncertain significance (8). 1 of the submissions does not count toward it. Last evaluated 2024-06-04.

Conditions:
Gallbladder disease 4 (GBD4). Identifiers: MedGen C1969115, MONDO:1010151, OMIM 611465.
Sitosterolemia 1. Identifiers: MedGen C2749759, MONDO:0020747, OMIM 210250.
ABCG8-related disorder. Also called: ABCG8-related condition.
Cardiovascular phenotype. Identifiers: MedGen CN230736.

Allele frequency attached by ClinVar (database versions not stated): ExAC 0.00013; gnomAD 0.00041 and 0.00043; gnomAD exomes 0.00003 and 0.00012; 1000 Genomes Project 0.00060; 1000 Genomes Project 30x 0.00047; TOPMed 0.00037; ESP Exome Variant Server 0.00054.

Submissions (9):

Revvity Omics, Revvity
Classification: Uncertain significance for Sitosterolemia 1. Last evaluated: 2024-06-04. Review status: criteria provided, single submitter. Criteria: ACMG Guidelines, 2015. Collection method: clinical testing. Allele origin: germline.

Women's Health and Genetics/Laboratory Corporation of America, LabCorp
Classification: Uncertain significance. Last evaluated: 2023-07-18. Review status: criteria provided, single submitter. Criteria: LabCorp Variant Classification Summary - May 2015. Collection method: clinical testing. Allele origin: germline.

Labcorp Genetics (formerly Invitae), Labcorp
Classification: Uncertain significance. Last evaluated: 2022-07-05. Review status: criteria provided, single submitter. Criteria: Invitae Variant Classification Sherloc (09022015). Collection method: clinical testing. Allele origin: germline.
Comment: This sequence change replaces aspartic acid, which is acidic and polar, with asparagine, which is neutral and polar, at codon 33 of the ABCG8 protein (p.Asp33Asn). This variant is present in population databases (rs148456883, gnomAD 0.2%). This variant has not been reported in the literature in individuals affected with ABCG8-related conditions. ClinVar contains an entry for this variant (Variation ID: 500866). Algorithms developed to predict the effect of missense changes on protein structure and function are either unavailable or do not agree on the potential impact of this missense change (SIFT: "Deleterious"; PolyPhen-2: "Probably Damaging"; Align-GVGD: "Class C0"). In summary, the available evidence is currently insufficient to determine the role of this variant in disease. Therefore, it has been classified as a Variant of Uncertain Significance.

Fulgent Genetics
Classification: Uncertain significance for Sitosterolemia 1; Gallbladder disease 4. Last evaluated: 2021-12-13. Review status: criteria provided, single submitter. Criteria: ACMG Guidelines, 2015. Collection method: clinical testing. Allele origin: unknown.

Genetic Services Laboratory, University of Chicago
Classification: Uncertain significance. Last evaluated: 2021-01-04. Review status: criteria provided, single submitter. Criteria: ACMG Guidelines, 2015. Collection method: clinical testing. Allele origin: germline. Affected: no.
Comment: DNA sequence analysis of the ABCG8 gene demonstrated a sequence change, c.97G>A, in exon 2 that results in an amino acid change, p.Asp33Asn. This sequence change does not appear to have been previously described in individuals with ABCG8-related disorders and has been described in the gnomAD database with a frequency of 0.17% in the African sub-population (dbSNP rs148456883). The p.Asp33Asn change affects a moderately conserved amino acid residue located in a domain of the ABCG8 protein that is not known to be functional. In-silico pathogenicity prediction tools (SIFT, PolyPhen2, Align GVGD, REVEL) provide contradictory results for the p.Asp33Asn substitution. Due to these contrasting evidences and the lack of functional studies, the clinical significance of the p.Asp33Asn change remains unknown at this time.

Ambry Genetics
Classification: Uncertain significance for Cardiovascular phenotype. Last evaluated: 2020-01-24. Review status: criteria provided, single submitter. Criteria: Ambry Variant Classification Scheme 2023. Collection method: clinical testing. Allele origin: germline.
Comment: The p.D33N variant (also known as c.97G>A), located in coding exon 2 of the ABCG8 gene, results from a G to A substitution at nucleotide position 97. The aspartic acid at codon 33 is replaced by asparagine, an amino acid with highly similar properties. This amino acid position is highly conserved in available vertebrate species. In addition, this alteration is predicted to be tolerated by in silico analysis. Since supporting evidence is limited at this time, the clinical significance of this alteration remains unclear.

Baylor Genetics
Classification: Uncertain significance for Sitosterolemia 1. Last evaluated: 2018-10-17. Review status: criteria provided, single submitter. Criteria: ACMG Guidelines, 2015. Collection method: clinical testing. Allele origin: unknown. Affected: yes.
Comment: This variant was determined to be of uncertain significance according to ACMG Guidelines, 2015 [PMID:25741868].

Eurofins Ntd Llc (ga)
Classification: Uncertain significance. Last evaluated: 2017-11-16. Review status: criteria provided, single submitter. Criteria: EGL Classification Definitions 2015. Collection method: clinical testing. Allele origin: germline. Observed: 2 variant alleles, 2 heterozygotes.

PreventionGenetics, part of Exact Sciences
Classification: Likely benign for ABCG8-related condition. Last evaluated: 2022-10-18. Review status: no assertion criteria provided. Collection method: clinical testing. Allele origin: germline. Not counted in ClinVar's aggregate classification.
Comment: This variant is classified as likely benign based on ACMG/AMP sequence variant interpretation guidelines (Richards et al. 2015 PMID: 25741868, with internal and published modifications).